The following is an entry in ClinVar:

NM_015057.5(MYCBP2):c.8840C>A (p.Thr2947Lys)

Gene: MYCBP2 (MYC binding protein 2; minus strand). Cytogenetic location: 13q22.3.
Variant type: single nucleotide variant.
Coding change: c.8840C>A on transcript NM_015057.5 (MANE Select); coding-DNA position 8840, C replaced by A.
Protein change: p.Thr2947Lys; replaces threonine 2947 with lysine.
Molecular consequence: missense variant.
Genome position (GRCh38, 1-based): chr13:77,098,314, G>T on the plus strand (C>A on the coding strand, the complement: MYCBP2 is on the minus strand). VCF-style: chr13-77098314-G-T. GRCh37 (hg19) VCF-style: chr13-77672449-G-T.
Other names: short protein forms T2947K.
Identifiers: ClinVar variation 4823142 (VCV004823142.4).
Genomic context (GRCh38, chr13:77,098,314, plus strand): 5'-ACTTTATTTGAACCTTCATCCACACTCTTAAATTCACTGCTGTCATCGCAGGTGCTGTCT[G>T]TTAGACTATTTGTTTTTAAAGTACTTGAGGTGCAGACTTCGACCACCTCACTGTGGAGGT-3'
Protein context (NP_055872.4, residues 2937-2957): TSSTLKTNSL[Thr2947Lys]DSTCDDSSEF

ClinVar aggregate classification (germline): Uncertain significance (1 of 4 stars; one submission).

gnomAD v4.1: 1 of 1,611,562 alleles (0.000062%); highest among the groups gnomAD compares: Admixed American, 0.0017%; no homozygotes.

Submission:

CeGaT Center for Human Genetics Tuebingen
Classification: Uncertain significance. Last evaluated: 2026-01-01. Review status: criteria provided, single submitter. Criteria: CeGaT Center For Human Genetics Tuebingen Variant Classification Criteria Version 2. Collection method: clinical testing. Allele origin: germline. Affected: yes. Observed: 1 variant allele.
Comment: MYCBP2: PM2